The following is an entry in ClinVar:

NM_005188.4(CBL):c.1384C>G (p.Arg462Gly)

Gene: CBL (Cbl proto-oncogene; plus strand). Cytogenetic location: 11q23.3.
Variant type: single nucleotide variant.
Coding change: c.1384C>G on transcript NM_005188.4 (MANE Select); coding-DNA position 1384, C replaced by G.
Protein change: p.Arg462Gly; replaces arginine 462 with glycine.
Molecular consequence: missense variant.
Genome position (GRCh38, 1-based): chr11:119,278,666, C>G. VCF-style: chr11-119278666-C-G. GRCh37 (hg19) VCF-style: chr11-119149376-C-G.
Other names: c.1384C>G (NM_005188.2); short protein forms R462G.
Identifiers: ClinVar variation 3682063 (VCV003682063.3).
Genomic context (GRCh38, chr11:119,278,666, plus strand): 5'-CTGTTGAGGCAAGGAGCAGAGGGAGCTCCCTCCCCAAATTATGATGATGATGATGATGAA[C>G]GAGCTGATGATACTCTCTTCATGATGAAGGAATTGGCTGGTGCCAAGGTAAGATGGCAGT-3'
Protein context (NP_005179.2, residues 452-472): SPNYDDDDDE[Arg462Gly]ADDTLFMMKE

ClinVar aggregate classification (germline): Uncertain significance. Review status: criteria provided, multiple submitters, no conflicts (2 of 4 stars). 2 submissions from 2 submitters: Uncertain significance (2). Last evaluated 2025-10-02.

Conditions:
RASopathy. Also called: rasopathies; Noonan spectrum disorder. Identifiers: Orphanet 536391, MedGen C5555857, MONDO:0021060.
Cardiovascular phenotype. Identifiers: MedGen CN230736.

Submissions (2):

Labcorp Genetics (formerly Invitae), Labcorp
Classification: Uncertain significance for RASopathy. Last evaluated: 2025-10-02. Review status: criteria provided, single submitter. Criteria: Invitae Variant Classification Sherloc (09022015). Collection method: clinical testing. Allele origin: germline.
Comment: This sequence change replaces arginine, which is basic and polar, with glycine, which is neutral and non-polar, at codon 462 of the CBL protein (p.Arg462Gly). This variant is not present in population databases (gnomAD no frequency). This variant has not been reported in the literature in individuals affected with CBL-related conditions. ClinVar contains an entry for this variant (Variation ID: 3682063). Invitae Evidence Modeling of protein sequence and biophysical properties (such as structural, functional, and spatial information, amino acid conservation, physicochemical variation, residue mobility, and thermodynamic stability) indicates that this missense variant is not expected to disrupt CBL protein function with a negative predictive value of 95%. In summary, the available evidence is currently insufficient to determine the role of this variant in disease. Therefore, it has been classified as a Variant of Uncertain Significance.

Ambry Genetics
Classification: Uncertain significance for Cardiovascular phenotype. Last evaluated: 2025-05-19. Review status: criteria provided, single submitter. Criteria: Ambry Variant Classification Scheme 2023. Collection method: clinical testing. Allele origin: germline.
Comment: The p.R462G variant (also known as c.1384C>G), located in coding exon 9 of the CBL gene, results from a C to G substitution at nucleotide position 1384. The arginine at codon 462 is replaced by glycine, an amino acid with dissimilar properties. This amino acid position is conserved. In addition, the in silico prediction for this alteration is inconclusive. Based on the available evidence, the clinical significance of this variant remains unclear.